The following is an entry in ClinVar:

NM_020937.4(FANCM):c.1222G>C (p.Asp408His)

Gene: FANCM (FA complementation group M; plus strand). Cytogenetic location: 14q21.2.
Variant type: single nucleotide variant.
Coding change: c.1222G>C on transcript NM_020937.4 (MANE Select); coding-DNA position 1222, G replaced by C.
Protein change: p.Asp408His; replaces aspartic acid 408 with histidine.
Molecular consequence: missense variant.
Genome position (GRCh38, 1-based): chr14:45,154,735, G>C. VCF-style: chr14-45154735-G-C. GRCh37 (hg19) VCF-style: chr14-45623938-G-C.
Other names: c.1144G>C, p.Asp382His (NM_001308133.2); c.1222G>C, p.Asp408His (NM_001308134.2); c.1222G>C (NM_020937.3); short protein forms D408H, D382H.
Identifiers: ClinVar variation 526357 (VCV000526357.14), dbSNP rs199929558, ClinGen allele CA7168972.

ClinVar aggregate classification (germline): Uncertain significance. Review status: criteria provided, multiple submitters, no conflicts (2 of 4 stars). 3 submissions from 3 submitters: Uncertain significance (3). Last evaluated 2025-12-22.

Conditions:
Fanconi anemia (FA). Also called: Fanconi's anemia. Identifiers: Orphanet 84, MedGen C0015625, MeSH D005199, MONDO:0019391.

Allele frequency attached by ClinVar (database versions not stated): 1000 Genomes Project 30x 0.00016; 1000 Genomes Project 0.00020; TOPMed 0.00003; ExAC 0.00004; gnomAD 0.00006; ESP Exome Variant Server 0.00015.
gnomAD v4.1: 136 of 1,603,374 alleles (0.0085%); highest among the groups gnomAD compares: Non-Finnish European, 0.01%; no homozygotes.

Submissions (3):

Labcorp Genetics (formerly Invitae), Labcorp
Classification: Uncertain significance for Fanconi anemia. Last evaluated: 2025-12-22. Review status: criteria provided, single submitter. Criteria: Invitae Variant Classification Sherloc (09022015). Collection method: clinical testing. Allele origin: germline.
Comment: This sequence change replaces aspartic acid, which is acidic and polar, with histidine, which is basic and polar, at codon 408 of the FANCM protein (p.Asp408His). This variant is present in population databases (rs199929558, gnomAD 0.01%). This variant has not been reported in the literature in individuals affected with FANCM-related conditions. ClinVar contains an entry for this variant (Variation ID: 526357). An algorithm developed to predict the effect of missense changes on protein structure and function (PolyPhen-2) suggests that this variant is likely to be tolerated. In summary, the available evidence is currently insufficient to determine the role of this variant in disease. Therefore, it has been classified as a Variant of Uncertain Significance.

GeneDx
Classification: Uncertain significance. Last evaluated: 2023-12-28. Review status: criteria provided, single submitter. Criteria: GeneDx Variant Classification Process June 2021. Collection method: clinical testing. Allele origin: germline. Affected: yes.
Comment: Not observed at significant frequency in large population cohorts (gnomAD); In silico analysis supports that this missense variant has a deleterious effect on protein structure/function; Has not been previously published as pathogenic or benign to our knowledge

Quest Diagnostics Nichols Institute San Juan Capistrano
Classification: Uncertain significance. Last evaluated: 2023-06-09. Review status: criteria provided, single submitter. Criteria: Quest Diagnostics criteria. Collection method: clinical testing. Allele origin: unknown.
Comment: In the published literature, this variant has been reported in individuals with breast cancer as well as in healthy individuals (PMID: 33471991 (2021), see also LOVD). The frequency of this variant in the general population, 0.00011 (14/128746 chromosomes (Genome Aggregation Database)), is uninformative in the assessment of its pathogenicity. Analysis of this variant using bioinformatics tools for the prediction of the effect of amino acid changes on protein structure and function yielded conflicting predictions that this variant is benign or damaging. Based on the available information, we are unable to determine the clinical significance of this variant.

Literature cited by the submitters: PubMed 33471991 (cited by Quest Diagnostics Nichols Institute San Juan Capistrano); PubMed 32906206 (cited by Quest Diagnostics Nichols Institute San Juan Capistrano).